The following is an entry in ClinVar:

ClinVar aggregate classification (germline): Pathogenic (1 of 4 stars; one submission).

Conditions:
Hereditary diffuse gastric adenocarcinoma (HDGC). Also called: DIFFUSE GASTRIC AND LOBULAR BREAST CANCER SYNDROME. Identifiers: Orphanet 26106, MedGen C1708349, MONDO:0007648, OMIM 137215.

Submission:

European Reference Network on Genetic Tumour Risk Syndromes (ERN-GENTURIS), i3s - Instituto de Investigação e Inovação em Saúde, University of Porto
Classification: Pathogenic for Hereditary diffuse gastric adenocarcinoma. Last evaluated: 2022-08-01. Review status: criteria provided, single submitter. Criteria: Lee et al. (Hum Mutat. 2018). Collection method: clinical testing. Allele origin: germline. Inheritance: Autosomal dominant inheritance. Affected: yes. Study: ERN GENTURIS.
Comment: PVS1; PS4_Supporting; PM2 (PMID: 30311375)

Literature cited by the submitters: PubMed 36436516.

NM_004360.5(CDH1):c.2116C>T (p.Gln706Ter)

Gene: CDH1 (cadherin 1; plus strand). Cytogenetic location: 16q22.1.
Variant type: single nucleotide variant.
Coding change: c.2116C>T on transcript NM_004360.5 (MANE Select); coding-DNA position 2116, C replaced by T.
Protein change: p.Gln706Ter; replaces glutamine 706 with a stop codon.
Molecular consequence: nonsense.
Genome position (GRCh38, 1-based): chr16:68,823,578, C>T. VCF-style: chr16-68823578-C-T. GRCh37 (hg19) VCF-style: chr16-68857481-C-T.
Other names: c.1933C>T, p.Gln645Ter (NM_001317184.2); c.568C>T, p.Gln190Ter (NM_001317185.2); c.151C>T, p.Gln51Ter (NM_001317186.2); short protein forms Q190*, Q51*, Q645*, Q706*.
Identifiers: ClinVar variation 2502990 (VCV002502990.1), dbSNP rs2543946103, ClinGen allele CA396467881.